The following is an entry in ClinVar:

NM_198904.4(GABRG2):c.1350C>T (p.Asp450=)

Gene: GABRG2 (gamma-aminobutyric acid type A receptor subunit gamma2; plus strand). Cytogenetic location: 5q34.
Variant type: single nucleotide variant.
Coding change: c.1350C>T on transcript NM_198904.4 (MANE Select); coding-DNA position 1350, C replaced by T.
Protein change: p.Asp450=; no amino-acid change (aspartic acid 450 retained).
Molecular consequence: synonymous variant. On other transcripts: 3 prime UTR variant (1).
Genome position (GRCh38, 1-based): chr5:162,153,290, C>T. VCF-style: chr5-162153290-C-T. GRCh37 (hg19) VCF-style: chr5-161580296-C-T.
Other names: c.1326C>T, p.Asp442= (NM_000816.3); c.1341C>T, p.Asp447= (NM_001375339.1); c.*184C>T (NM_001375340.1); c.1347C>T, p.Asp449= (NM_001375341.1); c.1323C>T, p.Asp441= (NM_001375342.1); c.1446C>T, p.Asp482= (NM_001375343.1); c.1389C>T, p.Asp463= (NM_001375344.1); c.1260C>T, p.Asp420= (NM_001375345.1); and 6 more.
Identifiers: ClinVar variation 700475 (VCV000700475.35), dbSNP rs202246006, ClinGen allele CA3544994.
Genomic context (GRCh38, chr5:162,153,290, plus strand): 5'-AGATTGTCGAACAGGAGCTTGGAGACATGGGAGGATACATATCCGCATTGCCAAAATGGA[C>T]TCCTATGCTCGGATCTTCTTCCCCACTGCCTTCTGCCTGTTTAATCTGGTCTATTGGGTC-3'
Protein context (NP_944494.1, residues 440-460): GRIHIRIAKM[Asp450=]SYARIFFPTA

ClinVar aggregate classification (germline): Likely benign. Review status: criteria provided, multiple submitters, no conflicts (2 of 4 stars). 4 submissions from 4 submitters: Likely benign (3). 1 of the submissions does not count toward it. Last evaluated 2025-11-10.

Conditions:
GABRG2-related disorder. Also called: GABRG2-related condition.
EPILEPSY, CHILDHOOD ABSENCE, SUSCEPTIBILITY TO, 2 (ECA2). Identifiers: Orphanet 64280, MedGen C1843244, OMIM 607681.
Febrile seizures, familial, 8 (FEB8). Also called: CONVULSIONS, FAMILIAL FEBRILE, 8. Identifiers: Orphanet 36387, MedGen C1969810, MONDO:0011891, OMIM 607681.

Allele frequency attached by ClinVar (database versions not stated): gnomAD 0.00002 and 0.00006; gnomAD exomes 0.00004 and 0.00008; ExAC 0.00007; TOPMed 0.00008; 1000 Genomes Project 30x 0.00031; 1000 Genomes Project 0.00040.
gnomAD v4.1: 62 of 1,614,044 alleles (0.0038%); highest among the groups gnomAD compares: East Asian, 0.11%; 2 homozygotes.

Submissions (4):

Labcorp Genetics (formerly Invitae), Labcorp
Classification: Likely benign for Febrile seizures, familial, 8; EPILEPSY, CHILDHOOD ABSENCE, SUSCEPTIBILITY TO, 2. Last evaluated: 2025-11-10. Review status: criteria provided, single submitter. Criteria: Invitae Variant Classification Sherloc (09022015). Collection method: clinical testing. Allele origin: germline.

Blueprint Genetics
Classification: Likely benign. Last evaluated: 2024-09-17. Review status: criteria provided, single submitter. Criteria: ACMG Guidelines, 2015. Collection method: clinical testing. Allele origin: germline.

CeGaT Center for Human Genetics Tuebingen
Classification: Likely benign. Last evaluated: 2023-09-01. Review status: criteria provided, single submitter. Criteria: CeGaT Center For Human Genetics Tuebingen Variant Classification Criteria Version 2. Collection method: clinical testing. Allele origin: germline. Affected: yes. Observed: 1 variant allele.
Comment: GABRG2: BP4

PreventionGenetics, part of Exact Sciences
Classification: Likely benign for GABRG2-related condition. Last evaluated: 2019-08-12. Review status: no assertion criteria provided. Collection method: clinical testing. Allele origin: germline. Not counted in ClinVar's aggregate classification.
Comment: This variant is classified as likely benign based on ACMG/AMP sequence variant interpretation guidelines (Richards et al. 2015 PMID: 25741868, with internal and published modifications).